The following is an entry in ClinVar:

NM_005245.4(FAT1):c.10328G>T (p.Gly3443Val)

Gene: FAT1 (FAT atypical cadherin 1; minus strand). Cytogenetic location: 4q35.2.
Variant type: single nucleotide variant.
Coding change: c.10328G>T on transcript NM_005245.4 (MANE Select); coding-DNA position 10328, G replaced by T.
Protein change: p.Gly3443Val; replaces glycine 3443 with valine.
Molecular consequence: missense variant.
Genome position (GRCh38, 1-based): chr4:186,606,092, C>A on the plus strand (G>T on the coding strand, the complement: FAT1 is on the minus strand). VCF-style: chr4-186606092-C-A. GRCh37 (hg19) VCF-style: chr4-187527246-C-A.
Other names: c.10328G>T (NM_005245.3); short protein forms G3443V.
Identifiers: ClinVar variation 1926114 (VCV001926114.6), dbSNP rs374842477, ClinGen allele CA3165391.

ClinVar aggregate classification (germline): Uncertain significance. Review status: criteria provided, multiple submitters, no conflicts (2 of 4 stars). 2 submissions from 2 submitters: Uncertain significance (2). Last evaluated 2024-11-18.

Conditions:
FAT1-related disorder. Also called: FAT1-related condition.

Allele frequency attached by ClinVar (database versions not stated): ExAC 0.00001; gnomAD 0.00001; gnomAD exomes 0.00001; TOPMed 0.00001; ESP Exome Variant Server 0.00008.
gnomAD v4.1: 12 of 1,613,028 alleles (0.00074%); highest among the groups gnomAD compares: Non-Finnish European, 0.001%; no homozygotes.

Submissions (2):

PreventionGenetics, part of Exact Sciences
Classification: Uncertain significance for FAT1-related condition. Last evaluated: 2024-11-18. Review status: criteria provided, single submitter. Criteria: ACMG Guidelines, 2015. Collection method: clinical testing. Allele origin: germline.
Comment: The FAT1 c.10328G>T variant is predicted to result in the amino acid substitution p.Gly3443Val. To our knowledge, this variant has not been reported in the literature. This variant is reported in 0.0018% of alleles in individuals of European (Non-Finnish) descent in gnomAD. At this time, the clinical significance of this variant is uncertain due to the absence of conclusive functional and genetic evidence.

Labcorp Genetics (formerly Invitae), Labcorp
Classification: Uncertain significance. Last evaluated: 2024-01-08. Review status: criteria provided, single submitter. Criteria: Invitae Variant Classification Sherloc (09022015). Collection method: clinical testing. Allele origin: germline.
Comment: This sequence change replaces glycine, which is neutral and non-polar, with valine, which is neutral and non-polar, at codon 3443 of the FAT1 protein (p.Gly3443Val). This variant is present in population databases (rs374842477, gnomAD 0.0009%). This variant has not been reported in the literature in individuals affected with FAT1-related conditions. ClinVar contains an entry for this variant (Variation ID: 1926114). Advanced modeling of protein sequence and biophysical properties (such as structural, functional, and spatial information, amino acid conservation, physicochemical variation, residue mobility, and thermodynamic stability) performed at Invitae indicates that this missense variant is not expected to disrupt FAT1 protein function with a negative predictive value of 80%. Algorithms developed to predict the effect of sequence changes on RNA splicing suggest that this variant may create or strengthen a splice site. In summary, the available evidence is currently insufficient to determine the role of this variant in disease. Therefore, it has been classified as a Variant of Uncertain Significance.